The following is an entry in ClinVar:

ClinVar aggregate classification (germline): Likely benign. Review status: criteria provided, multiple submitters, no conflicts (2 of 4 stars). 2 submissions from 2 submitters: Likely benign (2). Last evaluated 2021-12-22.

Conditions:
Glycine encephalopathy. Also called: Nonketotic hyperglycinemia; Non-ketotic hyperglycinemia. Identifiers: Orphanet 407, MedGen C0751748, MONDO:0011612, HP:0008288.

Allele frequency attached by ClinVar (database versions not stated): gnomAD 0.00001.
gnomAD v4.1: 1 of 1,614,098 alleles (0.000062%); highest among the groups gnomAD compares: South Asian, 0.0011%; no homozygotes.

Submissions (2):

Women's Health and Genetics/Laboratory Corporation of America, LabCorp
Classification: Likely benign. Last evaluated: 2021-12-22. Review status: criteria provided, single submitter. Criteria: LabCorp Variant Classification Summary - May 2015. Collection method: clinical testing. Allele origin: germline.
Comment: Variant summary: AMT c.381A>G alters a conserved nucleotide resulting in a synonymous change. 4/4 computational tools predict no significant impact on normal splicing. However, these predictions have yet to be confirmed by functional studies. The variant was absent in 251494 control chromosomes. The available data on variant occurrences in the general population are insufficient to allow any conclusion about variant significance. To our knowledge, no occurrence of c.381A>G in individuals affected with Glycine Encephalopathy (Non-Ketotic Hyperglycinemia) and no experimental evidence demonstrating its impact on protein function have been reported. One clinical diagnostic laboratory has submitted clinical-significance assessments for this variant to ClinVar after 2014 without evidence for independent evaluation and classified the variant as likely benign. Based on the evidence outlined above, the variant was classified as likely benign.

Labcorp Genetics (formerly Invitae), Labcorp
Classification: Likely benign for Glycine encephalopathy. Last evaluated: 2019-08-27. Review status: criteria provided, single submitter. Criteria: Invitae Variant Classification Sherloc (09022015). Collection method: clinical testing. Allele origin: germline.

NM_000481.4(AMT):c.381A>G (p.Leu127=)

Gene: AMT (aminomethyltransferase; minus strand). Cytogenetic location: 3p21.31.
Variant type: single nucleotide variant.
Coding change: c.381A>G on transcript NM_000481.4 (MANE Select); coding-DNA position 381, A replaced by G.
Protein change: p.Leu127=; no amino-acid change (leucine 127 retained).
Molecular consequence: synonymous variant. On other transcripts: non-coding transcript variant (1), intron variant (1).
Genome position (GRCh38, 1-based): chr3:49,420,301, T>C on the plus strand (A>G on the coding strand, the complement: AMT is on the minus strand). VCF-style: chr3-49420301-T-C. GRCh37 (hg19) VCF-style: chr3-49457734-T-C.
Other names: c.213A>G, p.Leu71= (NM_001164711.2); c.381A>G, p.Leu127= (NM_001164712.2); c.340-513A>G (NM_001164710.2).
Identifiers: ClinVar variation 1130595 (VCV001130595.8), dbSNP rs2049077607, ClinGen allele CA433647711.